The following is an entry in ClinVar:

NM_021096.4(CACNA1I):c.2275A>G (p.Met759Val)

Gene: CACNA1I (calcium voltage-gated channel subunit alpha1 I; plus strand). Cytogenetic location: 22q13.1.
Variant type: single nucleotide variant.
Coding change: c.2275A>G on transcript NM_021096.4 (MANE Select); coding-DNA position 2275, A replaced by G.
Protein change: p.Met759Val; replaces methionine 759 with valine.
Molecular consequence: missense variant.
Genome position (GRCh38, 1-based): chr22:39,659,061, A>G. VCF-style: chr22-39659061-A-G. GRCh37 (hg19) VCF-style: chr22-40055066-A-G.
Other names: c.2170A>G, p.Met724Val (NM_001003406.2); short protein forms M759V, M724V.
Identifiers: ClinVar variation 5033614 (VCV005033614.1).

ClinVar aggregate classification (germline): Uncertain significance (1 of 4 stars; one submission).

gnomAD v4.1: 1 of 1,613,508 alleles (0.000062%); highest among the groups gnomAD compares: Non-Finnish European, 0.000085%; no homozygotes.

Submission:

Ambry Genetics
Classification: Uncertain significance. Last evaluated: 2026-07-29. Review status: criteria provided, single submitter. Criteria: Ambry Variant Classification Scheme 2023. Collection method: clinical testing. Allele origin: germline.
Comment: The c.2275A>G (p.M759V) alteration is located in exon 12 (coding exon 12) of the CACNA1I gene. This alteration results from a A to G substitution at nucleotide position 2275, causing the methionine (M) at amino acid position 759 to be replaced by a valine (V). Based on data from gnomAD, the G allele has an overall frequency of <0.001% (1/247940) total alleles studied. The highest observed frequency was 0.001% (1/112364) of European (non-Finnish) alleles. Based on insufficient or conflicting evidence, the clinical significance of this alteration remains unclear.